The following is an entry in ClinVar:

NM_138927.4(SON):c.5254A>C (p.Ile1752Leu)

Gene: SON (SON DNA and RNA binding protein; plus strand). Cytogenetic location: 21q22.11.
Variant type: single nucleotide variant.
Coding change: c.5254A>C on transcript NM_138927.4 (MANE Select); coding-DNA position 5254, A replaced by C.
Protein change: p.Ile1752Leu; replaces isoleucine 1752 with leucine.
Molecular consequence: missense variant. On other transcripts: non-coding transcript variant (1), intron variant (1).
Genome position (GRCh38, 1-based): chr21:33,554,485, A>C. VCF-style: chr21-33554485-A-C. GRCh37 (hg19) VCF-style: chr21-34926791-A-C.
Other names: c.5254A>C, p.Ile1752Leu (NM_001291411.2, NM_032195.3); c.245-2671A>C (NM_001291412.3); short protein forms I1752L.
Identifiers: ClinVar variation 3654905 (VCV003654905.2).
Genomic context (GRCh38, chr21:33,554,485, plus strand): 5'-GATTTAGTGAGACCGTTACTTCCTAAGGACATGGAACGTCTTACAAGCCTTAGAGCTGGC[A>C]TTGAAGGACCTTTACTTGCAAGTGATGTTGGACGTGACAGATCTGCTGCCAGCCCGGTTG-3'
Protein context (NP_620305.3, residues 1742-1762): MERLTSLRAG[Ile1752Leu]EGPLLASDVG

ClinVar aggregate classification (germline): Uncertain significance (1 of 4 stars; one submission).

Submission:

Labcorp Genetics (formerly Invitae), Labcorp
Classification: Uncertain significance. Last evaluated: 2024-05-28. Review status: criteria provided, single submitter. Criteria: Invitae Variant Classification Sherloc (09022015). Collection method: clinical testing. Allele origin: germline.
Comment: This sequence change replaces isoleucine, which is neutral and non-polar, with leucine, which is neutral and non-polar, at codon 1752 of the SON protein (p.Ile1752Leu). This variant is not present in population databases (gnomAD no frequency). This variant has not been reported in the literature in individuals affected with SON-related conditions. An algorithm developed to predict the effect of missense changes on protein structure and function (PolyPhen-2) suggests that this variant is likely to be tolerated. In summary, the available evidence is currently insufficient to determine the role of this variant in disease. Therefore, it has been classified as a Variant of Uncertain Significance.